The following is an entry in ClinVar:

NM_005591.4(MRE11):c.1946C>T (p.Ser649Leu)

Gene: MRE11 (MRE11 double strand break repair nuclease; minus strand). Cytogenetic location: 11q21.
Variant type: single nucleotide variant.
Coding change: c.1946C>T on transcript NM_005591.4 (MANE Select); coding-DNA position 1946, C replaced by T.
Protein change: p.Ser649Leu; replaces serine 649 with leucine.
Molecular consequence: missense variant.
Genome position (GRCh38, 1-based): chr11:94,435,880, G>A on the plus strand (C>T on the coding strand, the complement: MRE11 is on the minus strand). VCF-style: chr11-94435880-G-A. GRCh37 (hg19) VCF-style: chr11-94169046-G-A.
Other names: c.1943C>T, p.Ser648Leu (NM_001330347.2); c.1862C>T, p.Ser621Leu (NM_005590.4); short protein forms S621L, S649L, S648L.
Identifiers: ClinVar variation 820394 (VCV000820394.7), dbSNP rs1591640949, ClinGen allele CA382374119.

ClinVar aggregate classification (germline): Uncertain significance. Review status: criteria provided, multiple submitters, no conflicts (2 of 4 stars). 2 submissions from 2 submitters: Uncertain significance (2). Last evaluated 2023-01-24.

Conditions:
Hereditary cancer-predisposing syndrome. Also called: Neoplastic Syndromes, Hereditary; Tumor predisposition; Hereditary Cancer Syndrome; Hereditary neoplastic syndrome. Identifiers: Orphanet 140162, MedGen C0027672, MeSH D009386, MONDO:0015356.
Ataxia-telangiectasia-like disorder (ATLD). Identifiers: MedGen C1858391, MONDO:0011457.

Allele frequency attached by ClinVar (database versions not stated): gnomAD exomes below 0.00001.
gnomAD v4.1: 1 of 1,613,712 alleles (0.000062%); highest among the groups gnomAD compares: Non-Finnish European, 0.000085%; no homozygotes.

Submissions (2):

Labcorp Genetics (formerly Invitae), Labcorp
Classification: Uncertain significance for Ataxia-telangiectasia-like disorder. Last evaluated: 2023-01-24. Review status: criteria provided, single submitter. Criteria: Invitae Variant Classification Sherloc (09022015). Collection method: clinical testing. Allele origin: germline.
Comment: In summary, the available evidence is currently insufficient to determine the role of this variant in disease. Therefore, it has been classified as a Variant of Uncertain Significance. Algorithms developed to predict the effect of missense changes on protein structure and function (SIFT, PolyPhen-2, Align-GVGD) all suggest that this variant is likely to be tolerated. ClinVar contains an entry for this variant (Variation ID: 820394). This variant has not been reported in the literature in individuals affected with MRE11-related conditions. This variant is not present in population databases (gnomAD no frequency). This sequence change replaces serine, which is neutral and polar, with leucine, which is neutral and non-polar, at codon 649 of the MRE11 protein (p.Ser649Leu).

Ambry Genetics
Classification: Uncertain significance for Hereditary cancer-predisposing syndrome. Last evaluated: 2022-09-13. Review status: criteria provided, single submitter. Criteria: Ambry Variant Classification Scheme 2023. Collection method: clinical testing. Allele origin: germline.
Comment: The p.S649L variant (also known as c.1946C>T), located in coding exon 17 of the MRE11A gene, results from a C to T substitution at nucleotide position 1946. The serine at codon 649 is replaced by leucine, an amino acid with dissimilar properties. This amino acid position is well conserved in available vertebrate species. In addition, this alteration is predicted to be tolerated by in silico analysis. Since supporting evidence is limited at this time, the clinical significance of this alteration remains unclear.